The following is an entry in ClinVar:

NM_004415.4(DSP):c.2203G>A (p.Gly735Ser)

Gene: DSP (desmoplakin; plus strand). Cytogenetic location: 6p24.3.
Variant type: single nucleotide variant.
Coding change: c.2203G>A on transcript NM_004415.4 (MANE Select); coding-DNA position 2203, G replaced by A.
Protein change: p.Gly735Ser; replaces glycine 735 with serine.
Molecular consequence: missense variant.
Genome position (GRCh38, 1-based): chr6:7,574,158, G>A. VCF-style: chr6-7574158-G-A. GRCh37 (hg19) VCF-style: chr6-7574391-G-A.
Other names: c.2203G>A, p.Gly735Ser (NM_001008844.3, NM_001319034.2); short protein forms G735S.
Identifiers: ClinVar variation 2567533 (VCV002567533.2), dbSNP rs2533903538, ClinGen allele CA362680793.

ClinVar aggregate classification (germline): Uncertain significance (1 of 4 stars; one submission).

Conditions:
Cardiovascular phenotype. Identifiers: MedGen CN230736.

Submission:

Ambry Genetics
Classification: Uncertain significance for Cardiovascular phenotype. Last evaluated: 2023-06-04. Review status: criteria provided, single submitter. Criteria: Ambry Variant Classification Scheme 2023. Collection method: clinical testing. Allele origin: germline.
Comment: The p.G735S variant (also known as c.2203G>A), located in coding exon 16 of the DSP gene, results from a G to A substitution at nucleotide position 2203. The glycine at codon 735 is replaced by serine, an amino acid with similar properties. This amino acid position is highly conserved in available vertebrate species. In addition, the in silico prediction for this alteration is inconclusive. Since supporting evidence is limited at this time, the clinical significance of this alteration remains unclear.